The following is an entry in ClinVar:

ClinVar aggregate classification (germline): Benign. Review status: criteria provided, multiple submitters, no conflicts (2 of 4 stars). 3 submissions from 3 submitters: Benign (2). 1 of the submissions does not count toward it. Last evaluated 2018-08-20.

Conditions:
AHNAK2-related disorder. Also called: AHNAK2-related condition.

Allele frequency attached by ClinVar (database versions not stated): gnomAD exomes 0.00018 and 0.00079; ExAC 0.00091; gnomAD 0.00243 and 0.00252; ESP Exome Variant Server 0.00278; TOPMed 0.00304; 1000 Genomes Project 0.00479; 1000 Genomes Project 30x 0.00593.

Submissions (3):

Labcorp Genetics (formerly Invitae), Labcorp
Classification: Benign. Last evaluated: 2018-08-20. Review status: criteria provided, single submitter. Criteria: Invitae Variant Classification Sherloc (09022015). Collection method: clinical testing. Allele origin: germline.

Breakthrough Genomics
Classification: Benign. Review status: criteria provided, single submitter. Criteria: ACMG Guidelines, 2015. Collection method: not provided. Allele origin: germline. Inheritance: Unknown mechanism. Affected: yes.

PreventionGenetics, part of Exact Sciences
Classification: Benign for AHNAK2-related condition. Last evaluated: 2019-05-31. Review status: no assertion criteria provided. Collection method: clinical testing. Allele origin: germline. Not counted in ClinVar's aggregate classification.
Comment: This variant is classified as benign based on ACMG/AMP sequence variant interpretation guidelines (Richards et al. 2015 PMID: 25741868, with internal and published modifications).

NM_138420.4(AHNAK2):c.628G>A (p.Gly210Ser)

Gene: AHNAK2 (AHNAK nucleoprotein 2; minus strand). Cytogenetic location: 14q32.33.
Variant type: single nucleotide variant.
Coding change: c.628G>A on transcript NM_138420.4 (MANE Select); coding-DNA position 628, G replaced by A.
Protein change: p.Gly210Ser; replaces glycine 210 with serine.
Molecular consequence: missense variant.
Genome position (GRCh38, 1-based): chr14:104,954,980, C>T on the plus strand (G>A on the coding strand, the complement: AHNAK2 is on the minus strand). VCF-style: chr14-104954980-C-T. GRCh37 (hg19) VCF-style: chr14-105421317-C-T.
Other names: c.328G>A, p.Gly110Ser (NM_001350929.2); short protein forms G110S, G210S.
Identifiers: ClinVar variation 719526 (VCV000719526.6), dbSNP rs199635339, ClinGen allele CA7384001.